The following is an entry in ClinVar:

NM_006904.7(PRKDC):c.1790C>T (p.Ala597Val)

Gene: PRKDC (protein kinase, DNA-activated, catalytic subunit; minus strand). Cytogenetic location: 8q11.21.
Variant type: single nucleotide variant.
Coding change: c.1790C>T on transcript NM_006904.7 (MANE Select); coding-DNA position 1790, C replaced by T.
Protein change: p.Ala597Val; replaces alanine 597 with valine.
Molecular consequence: missense variant.
Genome position (GRCh38, 1-based): chr8:47,930,774, G>A on the plus strand (C>T on the coding strand, the complement: PRKDC is on the minus strand). VCF-style: chr8-47930774-G-A. GRCh37 (hg19) VCF-style: chr8-48843334-G-A.
Other names: c.1790C>T, p.Ala597Val (NM_001081640.2); short protein forms A597V.
Identifiers: ClinVar variation 1780182 (VCV001780182.2), dbSNP rs748142940, ClinGen allele CA4741635.

ClinVar aggregate classification (germline): Uncertain significance (1 of 4 stars; one submission).

Allele frequency attached by ClinVar (database versions not stated): gnomAD exomes 0.00002; TOPMed 0.00002; ExAC 0.00003; gnomAD 0.00003.
gnomAD v4.1: 32 of 1,578,316 alleles (0.002%); highest among the groups gnomAD compares: Non-Finnish European, 0.0027%; no homozygotes.

Submission:

Ambry Genetics
Classification: Uncertain significance. Last evaluated: 2022-10-03. Review status: criteria provided, single submitter. Criteria: Ambry Variant Classification Scheme 2023. Collection method: clinical testing. Allele origin: germline.
Comment: The p.A597V variant (also known as c.1790C>T), located in coding exon 17 of the PRKDC gene, results from a C to T substitution at nucleotide position 1790. The alanine at codon 597 is replaced by valine, an amino acid with similar properties. This amino acid position is conserved. In addition, this alteration is predicted to be tolerated by in silico analysis. Since supporting evidence is limited at this time, the clinical significance of this alteration remains unclear.